The following is an entry in ClinVar:

NM_000321.3(RB1):c.760A>G (p.Arg254Gly)

Gene: RB1 (RB transcriptional corepressor 1; plus strand). Cytogenetic location: 13q14.2.
Variant type: single nucleotide variant.
Coding change: c.760A>G on transcript NM_000321.3 (MANE Select); coding-DNA position 760, A replaced by G.
Protein change: p.Arg254Gly; replaces arginine 254 with glycine.
Molecular consequence: missense variant.
Genome position (GRCh38, 1-based): chr13:48,362,856, A>G. VCF-style: chr13-48362856-A-G. GRCh37 (hg19) VCF-style: chr13-48936992-A-G.
Other names: short protein forms R254G.
Identifiers: ClinVar variation 1408581 (VCV001408581.10), dbSNP rs2138112300, ClinGen allele CA388159346.

ClinVar aggregate classification (germline): Uncertain significance. Review status: criteria provided, multiple submitters, no conflicts (2 of 4 stars). 3 submissions from 3 submitters: Uncertain significance (3). Last evaluated 2025-07-29.

Conditions:
Hereditary cancer-predisposing syndrome. Also called: Hereditary Cancer Syndrome; Tumor predisposition; Hereditary neoplastic syndrome; Neoplastic Syndromes, Hereditary. Identifiers: Orphanet 140162, MedGen C0027672, MeSH D009386, MONDO:0015356.
Retinoblastoma (RB1). Also called: RETINOBLASTOMA, SOMATIC. Identifiers: Orphanet 790, MedGen C0035335, MeSH D012175, MONDO:0008380, OMIM 180200, HP:0009919. Disease mechanism: loss of function. Inheritance: Both sporadic and heritable forms are tested..

Submissions (3):

Labcorp Genetics (formerly Invitae), Labcorp
Classification: Uncertain significance for Retinoblastoma. Last evaluated: 2025-07-29. Review status: criteria provided, single submitter. Criteria: Invitae Variant Classification Sherloc (09022015). Collection method: clinical testing. Allele origin: germline.
Comment: This sequence change replaces arginine, which is basic and polar, with glycine, which is neutral and non-polar, at codon 254 of the RB1 protein (p.Arg254Gly). This variant is not present in population databases (gnomAD no frequency). This variant has not been reported in the literature in individuals affected with RB1-related conditions. ClinVar contains an entry for this variant (Variation ID: 1408581). Invitae Evidence Modeling of protein sequence and biophysical properties (such as structural, functional, and spatial information, amino acid conservation, physicochemical variation, residue mobility, and thermodynamic stability) indicates that this missense variant is not expected to disrupt RB1 protein function with a negative predictive value of 80%. In summary, the available evidence is currently insufficient to determine the role of this variant in disease. Therefore, it has been classified as a Variant of Uncertain Significance.

Ambry Genetics
Classification: Uncertain significance for Hereditary cancer-predisposing syndrome. Last evaluated: 2025-07-22. Review status: criteria provided, single submitter. Criteria: Ambry Variant Classification Scheme 2023. Collection method: clinical testing. Allele origin: germline.
Comment: The p.R254G variant (also known as c.760A>G), located in coding exon 8 of the RB1 gene, results from an A to G substitution at nucleotide position 760. The arginine at codon 254 is replaced by glycine, an amino acid with dissimilar properties. This amino acid position is highly conserved in available vertebrate species. In addition, this alteration is predicted to be deleterious by in silico analysis. Based on the available evidence, the clinical significance of this variant remains unclear.

All of Us Research Program, National Institutes of Health
Classification: Uncertain significance for Retinoblastoma. Last evaluated: 2023-12-01. Review status: criteria provided, single submitter. Criteria: ACMG Guidelines, 2015. Collection method: clinical testing. Allele origin: germline. Inheritance: Autosomal dominant inheritance. Observed: 1 variant allele, 1 heterozygote.
Comment: This study involves interpretation of variants in research participants for the purpose of population health screening. Participant phenotype was not available at the time of variant classification. Additional details can be found in publication PMID: 35346344, PMCID: PMC8962531